The following is an entry in ClinVar:

NM_005045.4(RELN):c.6506T>C (p.Leu2169Pro)

Gene: RELN (reelin; minus strand). Cytogenetic location: 7q22.1.
Variant type: single nucleotide variant.
Coding change: c.6506T>C on transcript NM_005045.4 (MANE Select); coding-DNA position 6506, T replaced by C.
Protein change: p.Leu2169Pro; replaces leucine 2169 with proline.
Molecular consequence: missense variant.
Genome position (GRCh38, 1-based): chr7:103,545,141, A>G on the plus strand (T>C on the coding strand, the complement: RELN is on the minus strand). VCF-style: chr7-103545141-A-G. GRCh37 (hg19) VCF-style: chr7-103185588-A-G.
Other names: c.6506T>C, p.Leu2169Pro (NM_173054.3); short protein forms L2169P.
Identifiers: ClinVar variation 858068 (VCV000858068.9), dbSNP rs1830259342, ClinGen allele CA368770857.

ClinVar aggregate classification (germline): Uncertain significance (1 of 4 stars; one submission).

Conditions:
Familial temporal lobe epilepsy 7. Identifiers: Orphanet 101046, MedGen C4225327, MONDO:0014639, OMIM 616436.
Norman-Roberts syndrome (LIS2). Also called: Lissencephaly 2 (Norman-Roberts type). Identifiers: Orphanet 89844, MedGen C0796089, MONDO:0009760, OMIM 257320.

Allele frequency attached by ClinVar (database versions not stated): gnomAD exomes below 0.00001.
gnomAD v4.1: 1 of 1,613,582 alleles (0.000062%); highest among the groups gnomAD compares: African/African-American, 0.0013%; no homozygotes.

Submission:

Labcorp Genetics (formerly Invitae), Labcorp
Classification: Uncertain significance for Familial temporal lobe epilepsy 7; Norman-Roberts syndrome. Last evaluated: 2019-11-29. Review status: criteria provided, single submitter. Criteria: Invitae Variant Classification Sherloc (09022015). Collection method: clinical testing. Allele origin: germline.
Comment: This variant has not been reported in the literature in individuals with RELN-related conditions. This variant is not present in population databases (ExAC no frequency). This sequence change replaces leucine with proline at codon 2169 of the RELN protein (p.Leu2169Pro). The leucine residue is highly conserved and there is a moderate physicochemical difference between leucine and proline. Algorithms developed to predict the effect of missense changes on protein structure and function are either unavailable or do not agree on the potential impact of this missense change (SIFT: "Deleterious"; PolyPhen-2: "Probably Damaging"; Align-GVGD: "Class C0"). In summary, the available evidence is currently insufficient to determine the role of this variant in disease. Therefore, it has been classified as a Variant of Uncertain Significance.